The following is an entry in ClinVar:

ClinVar aggregate classification (germline): Uncertain significance. Review status: criteria provided, multiple submitters, no conflicts (2 of 4 stars). 4 submissions from 4 submitters: Uncertain significance (4). Last evaluated 2025-10-01.

Conditions:
Hereditary cancer-predisposing syndrome. Also called: Tumor predisposition; Neoplastic Syndromes, Hereditary; Hereditary Cancer Syndrome; Hereditary neoplastic syndrome. Identifiers: Orphanet 140162, MedGen C0027672, MeSH D009386, MONDO:0015356.
Juvenile polyposis syndrome (JPS). Identifiers: Orphanet 2929, MedGen C0345893, MONDO:0017380, OMIM 174900.
Polyposis syndrome, hereditary mixed, 2. Identifiers: Orphanet 157794, MedGen C1864730, MONDO:0012405, OMIM 610069.

Allele frequency attached by ClinVar (database versions not stated): gnomAD exomes below 0.00001; TOPMed 0.00002.
gnomAD v4.1: 1 of 1,613,992 alleles (0.000062%); highest among the groups gnomAD compares: African/African-American, 0.0013%; no homozygotes.

Submissions (4):

Labcorp Genetics (formerly Invitae), Labcorp
Classification: Uncertain significance for Juvenile polyposis syndrome. Last evaluated: 2025-10-01. Review status: criteria provided, single submitter. Criteria: Invitae Variant Classification Sherloc (09022015). Collection method: clinical testing. Allele origin: germline.
Comment: This sequence change replaces methionine, which is neutral and non-polar, with isoleucine, which is neutral and non-polar, at codon 524 of the BMPR1A protein (p.Met524Ile). This variant is not present in population databases (gnomAD no frequency). This variant has not been reported in the literature in individuals affected with BMPR1A-related conditions. ClinVar contains an entry for this variant (Variation ID: 418744). Invitae Evidence Modeling of protein sequence and biophysical properties (such as structural, functional, and spatial information, amino acid conservation, physicochemical variation, residue mobility, and thermodynamic stability) has been performed for this missense variant. However, the output from this modeling did not meet the statistical confidence thresholds required to predict the impact of this variant on BMPR1A protein function. In summary, the available evidence is currently insufficient to determine the role of this variant in disease. Therefore, it has been classified as a Variant of Uncertain Significance.

Ambry Genetics
Classification: Uncertain significance for Hereditary cancer-predisposing syndrome. Last evaluated: 2025-09-05. Review status: criteria provided, single submitter. Criteria: Ambry Variant Classification Scheme 2023. Collection method: clinical testing. Allele origin: germline.
Comment: The p.M524I variant (also known as c.1572G>T), located in coding exon 11 of the BMPR1A gene, results from a G to T substitution at nucleotide position 1572. The methionine at codon 524 is replaced by isoleucine, an amino acid with highly similar properties. This amino acid position is highly conserved in available vertebrate species. In addition, the in silico prediction for this alteration is inconclusive. Based on the available evidence, the clinical significance of this variant remains unclear.

GeneDx
Classification: Uncertain significance. Last evaluated: 2024-08-08. Review status: criteria provided, single submitter. Criteria: GeneDx Variant Classification Process June 2021. Collection method: clinical testing. Allele origin: germline. Affected: yes.
Comment: Not observed at significant frequency in large population cohorts (gnomAD); In silico analysis indicates that this missense variant does not alter protein structure/function; Has not been previously published as pathogenic or benign to our knowledge

Baylor Genetics
Classification: Uncertain significance for Polyposis syndrome, hereditary mixed, 2. Last evaluated: 2023-06-22. Review status: criteria provided, single submitter. Criteria: ACMG Guidelines, 2015. Collection method: clinical testing. Allele origin: unknown.

NM_004329.3(BMPR1A):c.1572G>T (p.Met524Ile)

Gene: BMPR1A (bone morphogenetic protein receptor type 1A; plus strand). Cytogenetic location: 10q23.2.
Variant type: single nucleotide variant.
Coding change: c.1572G>T on transcript NM_004329.3 (MANE Select); coding-DNA position 1572, G replaced by T.
Protein change: p.Met524Ile; replaces methionine 524 with isoleucine.
Molecular consequence: missense variant.
Genome position (GRCh38, 1-based): chr10:86,923,692, G>T. VCF-style: chr10-86923692-G-T. GRCh37 (hg19) VCF-style: chr10-88683449-G-T.
Other names: short protein forms M524I.
Identifiers: ClinVar variation 418744 (VCV000418744.19), dbSNP rs1064793404, ClinGen allele CA16619014.